The following is an entry in ClinVar:

NM_178857.6(RP1L1):c.4020_4021del (p.Glu1340fs)

Gene: RP1L1 (RP1 like 1). Cytogenetic location: 8p23.1.
Variant type: Deletion.
Coding change: c.4020_4021del on transcript NM_178857.6 (MANE Select); coding-DNA positions 4020 to 4021, 2 bases deleted.
Protein change: p.Glu1340fs; shifts the reading frame from glutamic acid 1340.
Molecular consequence: frameshift variant.
Genome position: GRCh38 VCF-style: chr8-10610076-GTT-G. GRCh37 (hg19) VCF-style: chr8-10467586-GTT-G.
Other names: short protein forms E1340fs.
Identifiers: ClinVar variation 1065636 (VCV001065636.3), dbSNP rs760615743, ClinGen allele CA4624201.

ClinVar aggregate classification (germline): Conflicting classifications of pathogenicity. Review status: criteria provided, conflicting classifications (1 of 4 stars). 2 submissions from 2 submitters: Pathogenic (1); Uncertain significance (1). Last evaluated 2023-04-03.

Conditions:
Retinitis pigmentosa 88. Identifiers: MedGen C5394208, MONDO:0032940, OMIM 618826.
Occult macular dystrophy (OCMD). Also called: OMD; OCCULT MACULAR DYSTROPHY, SUSCEPTIBILITY TO. Identifiers: Orphanet 247834, MedGen C3150833, MONDO:0013316, OMIM 613587, HP:0030636.

Submissions (2):

Department of Pathology and Laboratory Medicine, Sinai Health System
Classification: Uncertain significance for Occult macular dystrophy; Retinitis pigmentosa 88. Last evaluated: 2023-04-03. Review status: criteria provided, single submitter. Criteria: ACMG Guidelines, 2015. Collection method: research. Allele origin: germline.

School of Computer Science, University of Waterloo
Classification: Pathogenic for Retinitis pigmentosa 88. Last evaluated: 2021-05-06. Review status: criteria provided, single submitter. Criteria: ACMG Guidelines, 2015. Collection method: clinical testing. Allele origin: germline. Affected: no. Observed: 22 variant alleles.
Comment: Evidence categories PVS1, PM2 and PM4 in ACMG guidelines. This is a frameshift variant in gene RP1L1 that disrupts the protein NP_849188.4:p.Glu1340fs.